The following is an entry in ClinVar:

ClinVar aggregate classification (germline): Pathogenic (1 of 4 stars; one submission).

Conditions:
Congenital myasthenic syndrome 12 (CMS12). Also called: Myasthenia, congenital, 12, with tubular aggregates; MYASTHENIC SYNDROME, CONGENITAL, WITH TUBULAR AGGREGATES 1. Identifiers: Orphanet 353327, Orphanet 590, MedGen C3552335, MONDO:0012518, OMIM 610542.

Submission:

Labcorp Genetics (formerly Invitae), Labcorp
Classification: Pathogenic for Congenital myasthenic syndrome 12. Last evaluated: 2019-06-19. Review status: criteria provided, single submitter. Criteria: Invitae Variant Classification Sherloc (09022015). Collection method: clinical testing. Allele origin: germline.
Comment: This variant has not been reported in the literature in individuals with GFPT1-related conditions. Loss-of-function variants in GFPT1 are known to be pathogenic (PMID: 23794683). For these reasons, this variant has been classified as Pathogenic. This variant is not present in population databases (ExAC no frequency). This sequence change creates a premature translational stop signal (p.Leu30Argfs*6) in the GFPT1 gene. It is expected to result in an absent or disrupted protein product.

Literature cited by the submitters: PubMed 23794683.

NM_001244710.2(GFPT1):c.89_90del (p.Leu30fs)

Gene: GFPT1 (glutamine--fructose-6-phosphate transaminase 1; minus strand). Cytogenetic location: 2p13.3.
Variant type: Deletion.
Coding change: c.89_90del on transcript NM_001244710.2 (MANE Select); coding-DNA positions 89 to 90, 2 bases deleted (TG; older notation c.89_90delTG).
Protein change: p.Leu30fs; shifts the reading frame from leucine 30.
Molecular consequence: frameshift variant.
Genome position (GRCh38, 1-based): chr2:69,374,031-69,374,032, CA deleted on the plus strand (TG on the coding strand, the reverse complement: GFPT1 is on the minus strand). VCF-style (leftmost placement, unchanged base first): chr2-69374030-CCA-C. GRCh37 (hg19) VCF-style: chr2-69601162-CCA-C.
Other names: c.89_90del, p.Leu30fs (NM_002056.4); short protein forms L30fs.
Identifiers: ClinVar variation 836225 (VCV000836225.7), dbSNP rs1671813157, ClinGen allele CA916082176.